The following is an entry in ClinVar:

ClinVar aggregate classification (germline): Pathogenic (1 of 4 stars; one submission).

Conditions:
Baller-Gerold syndrome (BGS). Also called: CRANIOSYNOSTOSIS WITH RADIAL DEFECTS. Identifiers: Orphanet 1225, MedGen C0265308, MONDO:0009039, OMIM 218600.

gnomAD v4.1: 2 of 1,558,904 alleles (0.00013%); highest among the groups gnomAD compares: Non-Finnish European, 0.00017%; no homozygotes.

Submission:

Labcorp Genetics (formerly Invitae), Labcorp
Classification: Pathogenic for Baller-Gerold syndrome. Last evaluated: 2018-03-07. Review status: criteria provided, single submitter. Criteria: Invitae Variant Classification Sherloc (09022015). Collection method: clinical testing. Allele origin: germline.
Comment: This variant is present in population databases (rs398124117, ExAC 0.003%). This variant has not been reported in the literature in individuals affected with RECQL4-related disease. A different variant affecting this nucleotide (c.2464-1G>C) has been determined to be pathogenic (PMID: 12734318, 18716613). This suggests that this nucleotide is important for normal RNA splicing, and that other variants at this position may also be pathogenic. Donor and acceptor splice site variants typically lead to a loss of protein function (PMID: 16199547), and loss-of-function variants in RECQL4 are known to be pathogenic (PMID: 12734318, 12952869). For these reasons, this variant has been classified as Pathogenic. This sequence change affects a donor splice site in intron 14 of the RECQL4 gene. It is expected to disrupt RNA splicing and likely results in an absent or disrupted protein product.

Literature cited by the submitters: PubMed 12734318; PubMed 18716613; PubMed 16199547; PubMed 12952869.

NM_004260.4(RECQL4):c.2464-1G>A

Gene: RECQL4 (RecQ like helicase 4; minus strand). Cytogenetic location: 8q24.3.
Variant type: single nucleotide variant.
Coding change: c.2464-1G>A on transcript NM_004260.4 (MANE Select); the canonical splice acceptor site of the intron before coding-DNA position 2464, G replaced by A.
Molecular consequence: splice acceptor variant.
Genome position (GRCh38, 1-based): chr8:144,513,139, C>T on the plus strand (G>A on the coding strand, the complement: RECQL4 is on the minus strand). VCF-style: chr8-144513139-C-T. GRCh37 (hg19) VCF-style: chr8-145738522-C-T.
Other names: c.2335-1G>A (NM_001413025.1); c.2113-1G>A (NM_001413029.1); c.1327-1G>A (NM_001413032.1, NM_001413027.1, NM_001413030.1 and 1 more transcripts); c.1393-1G>A (NM_001413035.1, NM_001413040.1, NM_001413021.1 and 5 more transcripts); c.2170-1G>A (NM_001413017.1); c.2368-1G>A (NM_001413020.1); c.2434-1G>A (NM_001413039.1); c.2332-1G>A (NM_001413033.1); and 6 more.
Identifiers: ClinVar variation 577322 (VCV000577322.4), dbSNP rs398124117, ClinGen allele CA4948231.